The following is an entry in ClinVar:

NM_001430.5(EPAS1):c.2527G>C (p.Asp843His)

Gene: EPAS1 (endothelial PAS domain protein 1; plus strand). Cytogenetic location: 2p21.
Variant type: single nucleotide variant.
Coding change: c.2527G>C on transcript NM_001430.5 (MANE Select); coding-DNA position 2527, G replaced by C.
Protein change: p.Asp843His; replaces aspartic acid 843 with histidine.
Molecular consequence: missense variant.
Genome position (GRCh38, 1-based): chr2:46,384,574, G>C. VCF-style: chr2-46384574-G-C. GRCh37 (hg19) VCF-style: chr2-46611713-G-C.
Other names: short protein forms D843H.
Identifiers: ClinVar variation 2626664 (VCV002626664.2), dbSNP rs2546483682, ClinGen allele CA346707060.

ClinVar aggregate classification (germline): Uncertain significance (1 of 4 stars; one submission).

Conditions:
Inborn genetic diseases. Identifiers: MedGen C0950123, MeSH D030342.

Submission:

Ambry Genetics
Classification: Uncertain significance for Inborn genetic diseases. Last evaluated: 2023-08-30. Review status: criteria provided, single submitter. Criteria: Ambry Variant Classification Scheme 2023. Collection method: clinical testing. Allele origin: germline.
Comment: The p.D843H variant (also known as c.2527G>C), located in coding exon 16 of the EPAS1 gene, results from a G to C substitution at nucleotide position 2527. The aspartic acid at codon 843 is replaced by histidine, an amino acid with similar properties. This amino acid position is conserved. In addition, this alteration is predicted to be deleterious by in silico analysis. Since supporting evidence is limited at this time, the clinical significance of this alteration remains unclear.